The following is an entry in ClinVar:

NM_004260.4(RECQL4):c.3010C>T (p.Arg1004Trp)

Gene: RECQL4 (RecQ like helicase 4; minus strand). Cytogenetic location: 8q24.3.
Variant type: single nucleotide variant.
Coding change: c.3010C>T on transcript NM_004260.4 (MANE Select); coding-DNA position 3010, C replaced by T.
Protein change: p.Arg1004Trp; replaces arginine 1004 with tryptophan.
Molecular consequence: missense variant.
Genome position (GRCh38, 1-based): chr8:144,512,437, G>A on the plus strand (C>T on the coding strand, the complement: RECQL4 is on the minus strand). VCF-style: chr8-144512437-G-A. GRCh37 (hg19) VCF-style: chr8-145737820-G-A.
Other names: short protein forms R1004W.
Identifiers: ClinVar variation 239752 (VCV000239752.22), dbSNP rs36023964, ClinGen allele CA4947975.

ClinVar aggregate classification (germline): Likely benign. Review status: criteria provided, multiple submitters, no conflicts (2 of 4 stars). 9 submissions from 9 submitters: Likely benign (6). 3 of the submissions do not count toward it. Last evaluated 2026-03-18.

Conditions:
Baller-Gerold syndrome (BGS). Also called: CRANIOSYNOSTOSIS WITH RADIAL DEFECTS. Identifiers: Orphanet 1225, MedGen C0265308, MONDO:0009039, OMIM 218600.
RECQL4-related disorder. Also called: RECQL4-related condition; RECQL4-related disorders.
Rothmund-Thomson syndrome type 2 (RTS2). Identifiers: Orphanet 221016, MedGen C5203410, MONDO:0016369, OMIM 268400.
Hereditary cancer-predisposing syndrome. Also called: Neoplastic Syndromes, Hereditary; Hereditary Cancer Syndrome; Tumor predisposition; Hereditary neoplastic syndrome. Identifiers: Orphanet 140162, MedGen C0027672, MeSH D009386, MONDO:0015356.

Allele frequency attached by ClinVar (database versions not stated): gnomAD 0.00108 and 0.00112; 1000 Genomes Project 0.00260; 1000 Genomes Project 30x 0.00312; ESP Exome Variant Server 0.00087; TOPMed 0.00106.
gnomAD v4.1: 368 of 1,610,128 alleles (0.023%); highest among the groups gnomAD compares: African/African-American, 0.34%; no homozygotes.

Submissions (9):

Dasa
Classification: Likely benign. Last evaluated: 2026-03-18. Review status: criteria provided, single submitter. Criteria: DASA Assertion Criteria. Collection method: clinical testing. Allele origin: germline.
Comment: NM_004260.4(RECQL4):c.3010C>T (p.Arg1004Trp) is interpreted based on available population and clinical evidence, including population frequency and no convincing observation in affected individuals. Based on the available data, this variant is classified as likely benign.

Labcorp Genetics (formerly Invitae), Labcorp
Classification: Likely benign for Baller-Gerold syndrome. Last evaluated: 2026-01-23. Review status: criteria provided, single submitter. Criteria: Invitae Variant Classification Sherloc (09022015). Collection method: clinical testing. Allele origin: germline.

Blueprint Genetics
Classification: Likely benign. Last evaluated: 2024-11-26. Review status: criteria provided, single submitter. Criteria: ACMG Guidelines, 2015. Collection method: clinical testing. Allele origin: germline.

KCCC/NGS Laboratory, Kuwait Cancer Control Center
Classification: Likely benign for Rothmund-Thomson syndrome type 2. Last evaluated: 2023-07-07. Review status: criteria provided, single submitter. Criteria: ACMG Guidelines, 2015. Collection method: clinical testing. Allele origin: germline. Affected: yes.

GeneDx
Classification: Likely benign. Last evaluated: 2023-04-25. Review status: criteria provided, single submitter. Criteria: GeneDx Variant Classification Process June 2021. Collection method: clinical testing. Allele origin: germline. Affected: yes.
Comment: See Variant Classification Assertion Criteria.

Sema4
Classification: Likely benign for Hereditary cancer-predisposing syndrome. Last evaluated: 2020-12-12. Review status: criteria provided, single submitter. Criteria: Sema4 Curation Guidelines. Collection method: curation. Allele origin: germline.

PreventionGenetics, part of Exact Sciences
Classification: Likely benign for RECQL4-related condition. Last evaluated: 2023-06-02. Review status: no assertion criteria provided. Collection method: clinical testing. Allele origin: germline. Not counted in ClinVar's aggregate classification.
Comment: This variant is classified as likely benign based on ACMG/AMP sequence variant interpretation guidelines (Richards et al. 2015 PMID: 25741868, with internal and published modifications).

Clinical Genetics DNA and cytogenetics Diagnostics Lab, Erasmus MC, Erasmus Medical Center
Classification: Uncertain significance. Review status: no assertion criteria provided. Collection method: clinical testing. Allele origin: germline. Affected: yes. Study: VKGL Data-share Consensus. Not counted in ClinVar's aggregate classification.

Laboratory of Diagnostic Genome Analysis, Leiden University Medical Center (LUMC)
Classification: Uncertain significance. Review status: no assertion criteria provided. Collection method: clinical testing. Allele origin: germline. Affected: yes. Study: VKGL Data-share Consensus. Not counted in ClinVar's aggregate classification.